The following is an entry in ClinVar:

ClinVar aggregate classification (germline): Uncertain significance (1 of 4 stars; one submission).

Submission:

GeneDx
Classification: Uncertain significance. Last evaluated: 2025-10-16. Review status: criteria provided, single submitter. Criteria: GeneDx Variant Classification Process June 2021. Collection method: clinical testing. Allele origin: germline. Affected: yes.
Comment: Not observed at significant frequency in large population cohorts (gnomAD); In silico analysis supports that this missense variant has a deleterious effect on protein structure/function; Has not been previously published as pathogenic or benign to our knowledge

NM_020738.4(KIDINS220):c.968A>C (p.Gln323Pro)

Gene: KIDINS220 (kinase D interacting substrate 220; minus strand). Cytogenetic location: 2p25.1.
Variant type: single nucleotide variant.
Coding change: c.968A>C on transcript NM_020738.4 (MANE Select); coding-DNA position 968, A replaced by C.
Protein change: p.Gln323Pro; replaces glutamine 323 with proline.
Molecular consequence: missense variant. On other transcripts: non-coding transcript variant (2).
Genome position (GRCh38, 1-based): chr2:8,798,233, T>G on the plus strand (A>C on the coding strand, the complement: KIDINS220 is on the minus strand). VCF-style: chr2-8798233-T-G. GRCh37 (hg19) VCF-style: chr2-8938363-T-G.
Other names: c.971A>C, p.Gln324Pro (NM_001348729.2, NM_001348731.2, NM_001348734.2 and 3 more transcripts); c.968A>C, p.Gln323Pro (NM_001348732.2, NM_001348735.2, NM_001348738.2 and 3 more transcripts); c.842A>C, p.Gln281Pro (NM_001348736.2); short protein forms Q281P, Q323P, Q324P.
Identifiers: ClinVar variation 3901725 (VCV003901725.2).
Genomic context (GRCh38, chr2:8,798,233, plus strand): 5'-TGCTAACAGAATAGAAATGCCATTTATACCTTTGTGCATATTTCAGTGTCAGGATTGCAC[T>G]GTAAGATATCTCTCACCATTGTTGCATTTCCTTTCTCAACAGCCCAATACAAAGCAGTTT-3'
Protein context (NP_065789.1, residues 313-333): GNATMVRDIL[Gln323Pro]CNPDTEICTK